The following is an entry in ClinVar:

ClinVar aggregate classification (germline): Uncertain significance (1 of 4 stars; one submission).

gnomAD v4.1: 22 of 1,613,976 alleles (0.0014%); highest among the groups gnomAD compares: Non-Finnish European, 0.0018%; no homozygotes.

Submission:

Labcorp Genetics (formerly Invitae), Labcorp
Classification: Uncertain significance. Last evaluated: 2025-11-15. Review status: criteria provided, single submitter. Criteria: Invitae Variant Classification Sherloc (09022015). Collection method: clinical testing. Allele origin: germline.
Comment: This sequence change replaces threonine, which is neutral and polar, with arginine, which is basic and polar, at codon 2124 of the HIVEP2 protein (p.Thr2124Arg). This variant is present in population databases (rs761302909, gnomAD 0.0009%). This variant has not been reported in the literature in individuals affected with HIVEP2-related conditions. An algorithm developed to predict the effect of missense changes on protein structure and function (PolyPhen-2) suggests that this variant is likely to be tolerated. In summary, the available evidence is currently insufficient to determine the role of this variant in disease. Therefore, it has been classified as a Variant of Uncertain Significance.

NM_006734.4(HIVEP2):c.6371C>G (p.Thr2124Arg)

Gene: HIVEP2 (HIVEP zinc finger 2; minus strand). Cytogenetic location: 6q24.2.
Variant type: single nucleotide variant.
Coding change: c.6371C>G on transcript NM_006734.4 (MANE Select); coding-DNA position 6371, C replaced by G.
Protein change: p.Thr2124Arg; replaces threonine 2124 with arginine.
Molecular consequence: missense variant.
Genome position (GRCh38, 1-based): chr6:142,759,917, G>C on the plus strand (C>G on the coding strand, the complement: HIVEP2 is on the minus strand). VCF-style: chr6-142759917-G-C. GRCh37 (hg19) VCF-style: chr6-143081054-G-C.
Other names: c.6371C>G, p.Thr2124Arg (NM_001438449.1, NM_001438450.1, NM_001438451.1); short protein forms T2124R.
Identifiers: ClinVar variation 4750775 (VCV004750775.1).